The following is an entry in ClinVar:

ClinVar aggregate classification (germline): Uncertain significance (1 of 4 stars; one submission).

Conditions:
Hereditary cancer-predisposing syndrome. Also called: Tumor predisposition; Hereditary neoplastic syndrome; Neoplastic Syndromes, Hereditary; Hereditary Cancer Syndrome. Identifiers: Orphanet 140162, MedGen C0027672, MeSH D009386, MONDO:0015356.

gnomAD v4.1: 1 of 1,614,236 alleles (0.000062%); highest among the groups gnomAD compares: Non-Finnish European, 0.000085%; no homozygotes.

Submission:

Ambry Genetics
Classification: Uncertain significance for Hereditary cancer-predisposing syndrome. Last evaluated: 2025-03-28. Review status: criteria provided, single submitter. Criteria: Ambry Variant Classification Scheme 2023. Collection method: clinical testing. Allele origin: germline.
Comment: The p.T1310S variant (also known as c.3928A>T), located in coding exon 9 of the BRCA1 gene, results from an A to T substitution at nucleotide position 3928. The threonine at codon 1310 is replaced by serine, an amino acid with similar properties. This amino acid position is conserved. In addition, the in silico prediction for this alteration is inconclusive. Based on the available evidence, the clinical significance of this variant remains unclear.

NM_007294.4(BRCA1):c.3928A>T (p.Thr1310Ser)

Genes: BRCA1 (BRCA1 DNA repair associated; minus strand), LOC126862571 (BRD4-independent group 4 enhancer GRCh37_chr17:41243136-41244335; plus strand). Cytogenetic location: 17q21.31.
Variant type: single nucleotide variant.
Coding change: c.3928A>T on transcript NM_007294.4 (MANE Select); coding-DNA position 3928, A replaced by T.
Protein change: p.Thr1310Ser; replaces threonine 1310 with serine.
Molecular consequence: missense variant. On other transcripts: intron variant (135).
Genome position (GRCh38, 1-based): chr17:43,091,603, T>A on the plus strand (A>T on the coding strand, the complement: BRCA1 is on the minus strand). VCF-style: chr17-43091603-T-A. GRCh37 (hg19) VCF-style: chr17-41243620-T-A.
Other names: c.3787A>T, p.Thr1263Ser (NM_001407739.1, NM_001407692.1, NM_001407694.1 and 29 more transcripts); c.3784A>T, p.Thr1262Ser (NM_001407740.1, NM_001407745.1, NM_001407743.1 and 20 more transcripts); c.3925A>T, p.Thr1309Ser (NM_001407587.1, NM_001407590.1, NM_001407591.1 and 22 more transcripts); c.3928A>T, p.Thr1310Ser (NM_001407593.1, NM_001407594.1, NM_001407596.1 and 30 more transcripts); c.3544A>T, p.Thr1182Ser (NM_001407962.1); c.3547A>T, p.Thr1183Ser (NM_001407963.1, NM_001407959.1, NM_001407960.1); c.3424A>T, p.Thr1142Ser (NM_001407965.1); c.3040A>T, p.Thr1014Ser (NM_001407966.1, NM_001407967.1); and 41 more; short protein forms T1198S, T1221S, T1262S, T1268S, T1284S, T1309S, T1183S, T1239S.
Identifiers: ClinVar variation 3992594 (VCV003992594.1).